The following is an entry in ClinVar:

NM_001164665.2(KIAA1549):c.5234A>G (p.Asn1745Ser)

Gene: KIAA1549 (KIAA1549; minus strand). Cytogenetic location: 7q34.
Variant type: single nucleotide variant.
Coding change: c.5234A>G on transcript NM_001164665.2 (MANE Select); coding-DNA position 5234, A replaced by G.
Protein change: p.Asn1745Ser; replaces asparagine 1745 with serine.
Molecular consequence: missense variant.
Genome position (GRCh38, 1-based): chr7:138,861,152, T>C on the plus strand (A>G on the coding strand, the complement: KIAA1549 is on the minus strand). VCF-style: chr7-138861152-T-C. GRCh37 (hg19) VCF-style: chr7-138545898-T-C.
Other names: c.5234A>G, p.Asn1745Ser (NM_020910.3); short protein forms N1745S.
Identifiers: ClinVar variation 956294 (VCV000956294.10), dbSNP rs376508722, ClinGen allele CA4505635.

ClinVar aggregate classification (germline): Uncertain significance. Review status: criteria provided, multiple submitters, no conflicts (2 of 4 stars). 2 submissions from 2 submitters: Uncertain significance (2). Last evaluated 2024-06-19.

Allele frequency attached by ClinVar (database versions not stated): gnomAD exomes 0.00001 and 0.00002; ExAC 0.00002; TOPMed 0.00008; gnomAD 0.00010; ESP Exome Variant Server 0.00016.
gnomAD v4.1: 25 of 1,613,724 alleles (0.0015%); highest among the groups gnomAD compares: African/African-American, 0.021%; no homozygotes.

Submissions (2):

Blueprint Genetics
Classification: Uncertain significance. Last evaluated: 2024-06-19. Review status: criteria provided, single submitter. Criteria: ACMG Guidelines, 2015. Collection method: clinical testing. Allele origin: germline.

Labcorp Genetics (formerly Invitae), Labcorp
Classification: Uncertain significance. Last evaluated: 2019-07-27. Review status: criteria provided, single submitter. Criteria: Invitae Variant Classification Sherloc (09022015). Collection method: clinical testing. Allele origin: germline.
Comment: In summary, the available evidence is currently insufficient to determine the role of this variant in disease. Therefore, it has been classified as a Variant of Uncertain Significance. Algorithms developed to predict the effect of missense changes on protein structure and function output the following: SIFT: "Tolerated"; PolyPhen-2: "Benign"; Align-GVGD: "Class C0". The serine amino acid residue is found in multiple mammalian species, suggesting that this missense change does not adversely affect protein function. These predictions have not been confirmed by published functional studies and their clinical significance is uncertain. This variant has not been reported in the literature in individuals with KIAA1549-related conditions. This variant is present in population databases (rs376508722, ExAC 0.01%). This sequence change replaces asparagine with serine at codon 1745 of the KIAA1549 protein (p.Asn1745Ser). The asparagine residue is moderately conserved and there is a small physicochemical difference between asparagine and serine.